The following is an entry in ClinVar:

NM_000088.4(COL1A1):c.3101del

Gene: COL1A1 (collagen type I alpha 1 chain; minus strand). Cytogenetic location: 17q21.33.
Variant type: Deletion.
Coding change: c.3101del on transcript NM_000088.4 (MANE Select); coding-DNA position 3101, one base deleted (G; older notation c.3101delG).
Molecular consequence: splice acceptor variant.
Genome position (GRCh38, 1-based): chr17:50,188,636, C deleted on the plus strand (G on the coding strand, the reverse complement: COL1A1 is on the minus strand); the first of 3 consecutive C bases (chr17:50,188,636-50,188,638); deleting any one gives the same sequence. VCF-style (leftmost placement, unchanged base first): chr17-50188635-AC-A. GRCh37 (hg19) VCF-style: chr17-48265996-AC-A.
Identifiers: ClinVar variation 4057237 (VCV004057237.1).
Genomic context (GRCh38, chr17:50,188,635, plus strand): 5'-AGGGGCACCAGGAGCACCAGGAGCACCAGGGGGTCCAGCGGGGCCGGTCTCACCACGGTC[AC>A]CCTGGCGGGGAGAGCAGGGGAATATGGGTCAGCCCCGGGTGAAGGGCCAGGATGGGGCAG-3'

ClinVar aggregate classification (germline): Pathogenic (1 of 4 stars; one submission).

Conditions:
Osteogenesis imperfecta type I (OI1). Also called: Classic Non-deforming Osteogenesis Imperfecta with Blue Sclerae; OI, TYPE I; OSTEOGENESIS IMPERFECTA TARDA; OSTEOGENESIS IMPERFECTA WITH BLUE SCLERAE; Osteogenesis imperfecta type 1; Lobstein's Disease. Identifiers: Orphanet 216796, Orphanet 666, MedGen C0023931, MONDO:0008146, OMIM 166200. Disease mechanism: loss of function.

Submission:

Clinical Biomedical Laboratory, Shriners Hospital For Children - Canada
Classification: Pathogenic for Osteogenesis imperfecta type I. Last evaluated: 2025-05-23. Review status: criteria provided, single submitter. Criteria: ACMG Guidelines, 2015. Collection method: clinical testing. Allele origin: germline. Affected: yes.
Comment: This variant is predicted to substitute a glycine residue by a valine residue, introduce a frameshift resulting in an abnormal stop codon 43 amino acids downstream. This stop codon is expected to lead to degradation of the affected mRNA transcript. This variant is is absent from the gnomAD database (v2.1.1) indicating it is very rare. Variants introducing a premature termination codon lead to degradation of the affected transcript and haploinsufficiency of the alpha 1 chain of collagen type I. COL1A1 haploinsufficiency is a typical cause of OI type I.